The following is an entry in ClinVar:

NM_000287.4(PEX6):c.1782_1807dup (p.Ser603fs)

Gene: PEX6 (peroxisomal biogenesis factor 6; minus strand). Cytogenetic location: 6p21.1.
Variant type: Duplication.
Coding change: c.1782_1807dup on transcript NM_000287.4 (MANE Select); coding-DNA positions 1782 to 1807, 26 bases duplicated (TGCTCTGTCAGAGGGGCAGCGGCTCA).
Protein change: p.Ser603fs; shifts the reading frame from serine 603.
Molecular consequence: frameshift variant. On other transcripts: non-coding transcript variant (1).
Genome position (GRCh38, 1-based): chr6:42,967,445-42,967,470, TGAGCCGCTGCCCCTCTGACAGAGCA duplicated on the plus strand (TGCTCTGTCAGAGGGGCAGCGGCTCA on the coding strand, the reverse complement: PEX6 is on the minus strand). VCF-style (leftmost placement, unchanged base first): chr6-42967444-C-CTGAGCCGCTGCCCCTCTGACAGAGCA. GRCh37 (hg19) VCF-style: chr6-42935182-C-CTGAGCCGCTGCCCCTCTGACAGAGCA.
Other names: c.1518_1543dup, p.Ser515fs (NM_001316313.2); short protein forms S603fs, S515fs.
Identifiers: ClinVar variation 1384356 (VCV001384356.6), dbSNP rs2114242538, ClinGen allele CA2573140758.

ClinVar aggregate classification (germline): Pathogenic (1 of 4 stars; one submission).

Conditions:
Peroxisome biogenesis disorder. Identifiers: Orphanet 79189, MedGen C1832200, MONDO:0019234. Disease mechanism: loss of function.

Submission:

Labcorp Genetics (formerly Invitae), Labcorp
Classification: Pathogenic for Peroxisome biogenesis disorder. Last evaluated: 2021-07-02. Review status: criteria provided, single submitter. Criteria: Invitae Variant Classification Sherloc (09022015). Collection method: clinical testing. Allele origin: germline.
Comment: This sequence change creates a premature translational stop signal (p.Ser603Metfs*25) in the PEX6 gene. It is expected to result in an absent or disrupted protein product. Loss-of-function variants in PEX6 are known to be pathogenic (PMID: 8670792, 19877282, 21031596). This variant is not present in population databases (ExAC no frequency). This variant has not been reported in the literature in individuals affected with PEX6-related conditions. Algorithms developed to predict the effect of sequence changes on RNA splicing suggest that this variant may create or strengthen a splice site. For these reasons, this variant has been classified as Pathogenic.

Literature cited by the submitters: PubMed 8670792; PubMed 19877282; PubMed 21031596.